The following is an entry in ClinVar:

NM_130384.3(ATRIP):c.1081A>G (p.Arg361Gly)

Genes: ATRIP (ATR interacting protein; plus strand), ATRIP-TREX1 (ATRIP-TREX1 readthrough; plus strand). Cytogenetic location: 3p21.31.
Variant type: single nucleotide variant.
Coding change: c.1081A>G on transcript NM_130384.3 (MANE Select); coding-DNA position 1081, A replaced by G.
Protein change: p.Arg361Gly; replaces arginine 361 with glycine.
Molecular consequence: missense variant. On other transcripts: non-coding transcript variant (1).
Genome position (GRCh38, 1-based): chr3:48,460,135, A>G. VCF-style: chr3-48460135-A-G. GRCh37 (hg19) VCF-style: chr3-48501534-A-G.
Other names: c.700A>G, p.Arg234Gly (NM_001271022.2); c.802A>G, p.Arg268Gly (NM_001271023.2); c.1081A>G, p.Arg361Gly (NM_032166.4); short protein forms R234G, R268G, R361G.
Identifiers: ClinVar variation 4867253 (VCV004867253.1).

ClinVar aggregate classification (germline): Uncertain significance (1 of 4 stars; one submission).

gnomAD v4.1: 1 of 1,612,712 alleles (0.000062%); no homozygotes.

Submission:

Ambry Genetics
Classification: Uncertain significance. Last evaluated: 2026-05-22. Review status: criteria provided, single submitter. Criteria: Ambry Variant Classification Scheme 2023. Collection method: clinical testing. Allele origin: germline.
Comment: The p.R361G variant (also known as c.1081A>G), located in coding exon 8 of the ATRIP gene, results from an A to G substitution at nucleotide position 1081. The arginine at codon 361 is replaced by glycine, an amino acid with dissimilar properties. This amino acid position is conserved. In addition, the in silico prediction for this alteration is inconclusive. Based on the available evidence, the clinical significance of this variant remains unclear.